The following is an entry in ClinVar:

ClinVar aggregate classification (germline): Uncertain significance. Review status: criteria provided, multiple submitters, no conflicts (2 of 4 stars). 2 submissions from 2 submitters: Uncertain significance (2). Last evaluated 2025-06-07.

Conditions:
Inborn genetic diseases. Identifiers: MedGen C0950123, MeSH D030342.
Congenital nephrotic syndrome. Also called: Familial nephrotic syndrome. Identifiers: MedGen C3501848, MeSH C535761, MONDO:0002350, HP:0008677.

Allele frequency attached by ClinVar (database versions not stated): TOPMed 0.00001; gnomAD exomes 0.00001; gnomAD 0.00002.
gnomAD v4.1: 20 of 1,612,470 alleles (0.0012%); highest among the groups gnomAD compares: Non-Finnish European, 0.0017%; no homozygotes.

Submissions (2):

Ambry Genetics
Classification: Uncertain significance for Inborn genetic diseases. Last evaluated: 2025-06-07. Review status: criteria provided, single submitter. Criteria: Ambry Variant Classification Scheme 2023. Collection method: clinical testing. Allele origin: germline.

Illumina Laboratory Services, Illumina
Classification: Uncertain significance for Congenital nephrotic syndrome. Last evaluated: 2017-04-27. Review status: criteria provided, single submitter. Criteria: ICSL Variant Classification Criteria 13 December 2019. Collection method: clinical testing. Allele origin: germline.
Comment: This variant was observed as part of a predisposition screen in an ostensibly healthy population. A literature search was performed for the gene, cDNA change, and amino acid change (where applicable). Publications were found based on this search. However, the evidence from the literature, in combination with allele frequency data from public databases where available, was not sufficient to rule this variant in or out of causing disease. Therefore, this variant is classified as a variant of unknown significance.

Literature cited by the submitters: PubMed 19321760 (cited by Illumina Laboratory Services, Illumina).

NM_004646.4(NPHS1):c.2516A>T (p.Gln839Leu)

Gene: NPHS1 (NPHS1 adhesion molecule, nephrin; minus strand). Cytogenetic location: 19q13.12.
Variant type: single nucleotide variant.
Coding change: c.2516A>T on transcript NM_004646.4 (MANE Select); coding-DNA position 2516, A replaced by T.
Protein change: p.Gln839Leu; replaces glutamine 839 with leucine.
Molecular consequence: missense variant.
Genome position (GRCh38, 1-based): chr19:35,842,271, T>A on the plus strand (A>T on the coding strand, the complement: NPHS1 is on the minus strand). VCF-style: chr19-35842271-T-A. GRCh37 (hg19) VCF-style: chr19-36333173-T-A.
Other names: short protein forms Q839L.
Identifiers: ClinVar variation 889558 (VCV000889558.5), dbSNP rs1442536181, ClinGen allele CA405392215.